The following is an entry in ClinVar:

ClinVar aggregate classification (germline): Likely pathogenic (1 of 4 stars; one submission).

Conditions:
Mucopolysaccharidosis type 1. Also called: IDUA deficiency; MPS I; Mucopolysaccharidosis Type I. Identifiers: Orphanet 579, MedGen C0023786, MONDO:0001586.

Submission:

Natera, Inc.
Classification: Likely pathogenic for Mucopolysaccharidosis type I. Last evaluated: 2025-01-30. Review status: criteria provided, single submitter. Criteria: Natera Variant Classification Schema (03/2026). Collection method: clinical testing. Allele origin: germline.
Comment: The c.793-2A>C variant in IDUA is a canonical splice acceptor site variant predicted to affect pre-mRNA splicing, which may result in an abnormal transcript and altered protein product. This variant is expected to result in nonsense mediated decay, truncation, or a dysfunctional protein product. This variant is rare in the general population with a frequency below the threshold expected for the associated phenotype(s). Given the available evidence, this variant is classified as Likely Pathogenic.

NM_000203.5(IDUA):c.793-2A>C

Gene: IDUA (alpha-L-iduronidase; plus strand). Cytogenetic location: 4p16.3.
Variant type: single nucleotide variant.
Coding change: c.793-2A>C on transcript NM_000203.5 (MANE Select); the canonical splice acceptor site of the intron before coding-DNA position 793, A replaced by C.
Molecular consequence: splice acceptor variant.
Genome position (GRCh38, 1-based): chr4:1,001,980, A>C. VCF-style: chr4-1001980-A-C. GRCh37 (hg19) VCF-style: chr4-995768-A-C.
Other names: c.397-2A>C (NM_001363576.1).
Identifiers: ClinVar variation 4069686 (VCV004069686.2).